The following is an entry in ClinVar:

NM_017534.6(MYH2):c.2365del (p.Gln789fs)

Genes: MYH2 (myosin heavy chain 2; minus strand), MYHAS (myosin heavy chain gene cluster antisense RNA; plus strand). Cytogenetic location: 17p13.1.
Variant type: Deletion.
Coding change: c.2365del on transcript NM_017534.6 (MANE Select); coding-DNA position 2365, one base deleted (C; older notation c.2365delC).
Protein change: p.Gln789fs; shifts the reading frame from glutamine 789.
Molecular consequence: frameshift variant.
Genome position (GRCh38, 1-based): chr17:10,533,361, G deleted on the plus strand (C on the coding strand, the reverse complement: MYH2 is on the minus strand); the first of 3 consecutive G bases (chr17:10,533,361-10,533,363); deleting any one gives the same sequence. VCF-style (leftmost placement, unchanged base first): chr17-10533360-TG-T. GRCh37 (hg19) VCF-style: chr17-10436677-TG-T.
Other names: c.2365del, p.Gln789fs (NM_001100112.2); short protein forms Q789fs.
Identifiers: ClinVar variation 1399827 (VCV001399827.6), dbSNP rs2142305450, ClinGen allele CA2573152946.

ClinVar aggregate classification (germline): Pathogenic (1 of 4 stars; one submission).

Conditions:
Myopathy, proximal, and ophthalmoplegia (CMYO6). Also called: INCLUSION BODY MYOPATHY 3, AUTOSOMAL DOMINANT; CONGENITAL MYOPATHY 6 WITH OPHTHALMOPLEGIA; MYOPATHY WITH CONGENITAL JOINT CONTRACTURES, OPHTHALMOPLEGIA, AND RIMMED VACUOLES. Identifiers: Orphanet 363677, Orphanet 79091, MedGen C1854106, MONDO:0011577, OMIM 605637.

Submission:

Labcorp Genetics (formerly Invitae), Labcorp
Classification: Pathogenic for Myopathy, proximal, and ophthalmoplegia. Last evaluated: 2021-10-19. Review status: criteria provided, single submitter. Criteria: Invitae Variant Classification Sherloc (09022015). Collection method: clinical testing. Allele origin: germline.
Comment: This sequence change creates a premature translational stop signal (p.Gln789Serfs*2) in the MYH2 gene. It is expected to result in an absent or disrupted protein product. Loss-of-function variants in MYH2 are known to be pathogenic (PMID: 20418530, 23388406, 24193343). This variant is not present in population databases (ExAC no frequency). This variant has not been reported in the literature in individuals affected with MYH2-related conditions. For these reasons, this variant has been classified as Pathogenic.

Literature cited by the submitters: PubMed 20418530; PubMed 23388406; PubMed 24193343.